The following is an entry in ClinVar:

NM_005881.4(BCKDK):c.544-10C>T

Gene: BCKDK (branched chain keto acid dehydrogenase kinase; plus strand). Cytogenetic location: 16p11.2.
Variant type: single nucleotide variant.
Coding change: c.544-10C>T on transcript NM_005881.4 (MANE Select); 10 bases into the intron before coding-DNA position 544, C replaced by T.
Molecular consequence: intron variant.
Genome position (GRCh38, 1-based): chr16:31,110,391, C>T. VCF-style: chr16-31110391-C-T. GRCh37 (hg19) VCF-style: chr16-31121712-C-T.
Other names: c.544-10C>T (NM_005881.3, NM_001122957.4, NM_001271926.3).
Identifiers: ClinVar variation 1165600 (VCV001165600.12), dbSNP rs370950849, ClinGen allele CA8021605.
Genomic context (GRCh38, chr16:31,110,391, plus strand): 5'-GCAGCAAAGGAGAGGCCGGGCCTGCTGGGGGTGGGAAGGGCACGGGATTCTGAGACCTCA[C>T]TCTTTACAGGATGAAAAGCTCGTCCGCTACTTCTTGGACAAGACGCTGACTTCGAGGCTT-3'

ClinVar aggregate classification (germline): Benign/Likely benign. Review status: criteria provided, multiple submitters, no conflicts (2 of 4 stars). 3 submissions from 3 submitters: Benign (1); Likely benign (1). 1 of the submissions does not count toward it. Last evaluated 2024-04-22.

Conditions:
Branched-chain keto acid dehydrogenase kinase deficiency (BCKDKD). Also called: BCKDK DEFICIENCY. Identifiers: Orphanet 308410, MedGen C3554078, MONDO:0013970, OMIM 614923.
BCKDK-related disorder. Also called: BCKDK-related condition.

Allele frequency attached by ClinVar (database versions not stated): TOPMed 0.00011; gnomAD 0.00014 and 0.00017; ESP Exome Variant Server 0.00023; gnomAD exomes 0.00033 and 0.00041; 1000 Genomes Project 0.00040; ExAC 0.00048; 1000 Genomes Project 30x 0.00062.
gnomAD v4.1: 502 of 1,614,022 alleles (0.031%); highest among the groups gnomAD compares: South Asian, 0.24%; 6 homozygotes.

Submissions (3):

Blueprint Genetics
Classification: Likely benign. Last evaluated: 2024-04-22. Review status: criteria provided, single submitter. Criteria: ACMG Guidelines, 2015. Collection method: clinical testing. Allele origin: germline.

Labcorp Genetics (formerly Invitae), Labcorp
Classification: Benign for Branched-chain keto acid dehydrogenase kinase deficiency. Last evaluated: 2022-12-12. Review status: criteria provided, single submitter. Criteria: Invitae Variant Classification Sherloc (09022015). Collection method: clinical testing. Allele origin: germline.

PreventionGenetics, part of Exact Sciences
Classification: Likely benign for BCKDK-related condition. Last evaluated: 2019-07-12. Review status: no assertion criteria provided. Collection method: clinical testing. Allele origin: germline. Not counted in ClinVar's aggregate classification.
Comment: This variant is classified as likely benign based on ACMG/AMP sequence variant interpretation guidelines (Richards et al. 2015 PMID: 25741868, with internal and published modifications).